The following is an entry in ClinVar:

ClinVar aggregate classification (germline): Pathogenic (1 of 4 stars; one submission).

Conditions:
Myofibrillar myopathy 5. Also called: Filaminopathy (type); FILAMINOPATHY, AUTOSOMAL DOMINANT. Identifiers: Orphanet 171445, MedGen C1836050, MONDO:0012289, OMIM 609524.
Distal myopathy with posterior leg and anterior hand involvement. Also called: WILLIAMS DISTAL MYOPATHY. Identifiers: Orphanet 63273, MedGen C3279722, MONDO:0013550, OMIM 614065.
Hypertrophic cardiomyopathy 26. Also called: Cardiomyopathy, familial hypertrophic, 26. Identifiers: Orphanet 75249, MedGen C4310749, MONDO:0014883, OMIM 617047.

Submission:

Labcorp Genetics (formerly Invitae), Labcorp
Classification: Pathogenic for Distal myopathy with posterior leg and anterior hand involvement; Myofibrillar myopathy 5; Hypertrophic cardiomyopathy 26. Last evaluated: 2020-06-15. Review status: criteria provided, single submitter. Criteria: Invitae Variant Classification Sherloc (09022015). Collection method: clinical testing. Allele origin: germline.
Comment: For these reasons, this variant has been classified as Pathogenic. Loss-of-function variants in FLNC are known to be pathogenic (PMID: 27908349). This variant has not been reported in the literature in individuals with FLNC-related conditions. This variant is not present in population databases (ExAC no frequency). This sequence change creates a premature translational stop signal (p.Ala2319Profs*105) in the FLNC gene. It is expected to result in an absent or disrupted protein product.

Literature cited by the submitters: PubMed 27908349.

NM_001458.5(FLNC):c.6955del (p.Ala2319fs)

Genes: FLNC (filamin C; plus strand), FLNC-AS1 (FLNC antisense RNA 1; minus strand). Cytogenetic location: 7q32.1.
Variant type: Deletion.
Coding change: c.6955del on transcript NM_001458.5 (MANE Select); coding-DNA position 6955, one base deleted (G; older notation c.6955delG).
Protein change: p.Ala2319fs; shifts the reading frame from alanine 2319.
Molecular consequence: frameshift variant.
Genome position (GRCh38, 1-based): chr7:128,854,640, G deleted; the last of 3 consecutive G bases (chr7:128,854,638-128,854,640); deleting any one gives the same sequence. VCF-style (leftmost placement, unchanged base first): chr7-128854637-CG-C. GRCh37 (hg19) VCF-style: chr7-128494691-CG-C.
Other names: c.6856del, p.Ala2286fs (NM_001127487.2); short protein forms A2286fs, A2319fs.
Identifiers: ClinVar variation 1068545 (VCV001068545.7), dbSNP rs2128939548, ClinGen allele CA2499218755.
Genomic context (GRCh38, chr7:128,854,637, plus strand): 5'-CCCGGCAGCCCCTTTCAGTTCACTGTGGGGCCGCTGGGTGAAGGTGGTGCCCACAAGGTG[CG>C]GGCCGGAGGCACAGGGCTGGAGCGAGGTGTGGCCGGCGTGCCAGGTAAGGGGCAGGTGGC-3'